The following is an entry in ClinVar:

NM_001002295.2(GATA3):c.645C>A (p.Thr215=)

Gene: GATA3 (GATA binding protein 3; plus strand). Cytogenetic location: 10p14.
Variant type: single nucleotide variant.
Coding change: c.645C>A on transcript NM_001002295.2 (MANE Select); coding-DNA position 645, C replaced by A.
Protein change: p.Thr215=; no amino-acid change (threonine 215 retained).
Molecular consequence: synonymous variant.
Genome position (GRCh38, 1-based): chr10:8,058,708, C>A. VCF-style: chr10-8058708-C-A. GRCh37 (hg19) VCF-style: chr10-8100671-C-A.
Other names: c.645C>A, p.Thr215= (NM_002051.3).
Identifiers: ClinVar variation 3367529 (VCV003367529.1).
Genomic context (GRCh38, chr10:8,058,708, plus strand): 5'-GCTGGAGTCGTCCCACTCCCGTGGCAGCATGACCGCCCTGGGTGGAGCCTCCTCGTCGAC[C>A]CACCACCCCATCACCACCTACCCGCCCTACGTGCCCGAGTACAGCTCCGGACTCTTCCCC-3'
Protein context (NP_001002295.1, residues 205-225): MTALGGASSS[Thr215=]HHPITTYPPY

ClinVar aggregate classification (germline): Uncertain significance (1 of 4 stars; one submission).

gnomAD v4.1: 4 of 1,612,842 alleles (0.00025%); highest among the groups gnomAD compares: Admixed American, 0.0017%; no homozygotes.

Submission:

GeneDx
Classification: Uncertain significance. Last evaluated: 2024-01-10. Review status: criteria provided, single submitter. Criteria: GeneDx Variant Classification Process June 2021. Collection method: clinical testing. Allele origin: germline. Affected: yes.
Comment: Not observed at significant frequency in large population cohorts (gnomAD); In silico analysis supports that this variant does not alter splicing; Has not been previously published as pathogenic or benign to our knowledge